The following is an entry in ClinVar:

ClinVar aggregate classification (germline): Uncertain significance (1 of 4 stars; one submission).

Submission:

GeneDx
Classification: Uncertain significance. Last evaluated: 2024-09-10. Review status: criteria provided, single submitter. Criteria: GeneDx Variant Classification Process June 2021. Collection method: clinical testing. Allele origin: germline. Affected: yes.
Comment: Reported in a child with seizures, language delay, and cerebral atrophy (PMID: 32631363); Not observed at significant frequency in large population cohorts (gnomAD); In silico analysis supports that this missense variant has a deleterious effect on protein structure/function; This variant is associated with the following publications: (PMID: 32631363)

NM_000834.5(GRIN2B):c.3269A>G (p.Lys1090Arg)

Gene: GRIN2B (glutamate ionotropic receptor NMDA type subunit 2B; minus strand). Cytogenetic location: 12p13.1.
Variant type: single nucleotide variant.
Coding change: c.3269A>G on transcript NM_000834.5 (MANE Select); coding-DNA position 3269, A replaced by G.
Protein change: p.Lys1090Arg; replaces lysine 1090 with arginine.
Molecular consequence: missense variant.
Genome position (GRCh38, 1-based): chr12:13,563,969, T>C on the plus strand (A>G on the coding strand, the complement: GRIN2B is on the minus strand). VCF-style: chr12-13563969-T-C. GRCh37 (hg19) VCF-style: chr12-13716903-T-C.
Other names: c.3269A>G, p.Lys1090Arg (NM_001413992.1); short protein forms K1090R.
Identifiers: ClinVar variation 3767586 (VCV003767586.1).